The following is an entry in ClinVar:

ClinVar aggregate classification (germline): Uncertain significance. Review status: criteria provided, multiple submitters, no conflicts (2 of 4 stars). 3 submissions from 3 submitters: Uncertain significance (3). Last evaluated 2022-10-17.

Conditions:
Spastic paraplegia. Identifiers: MedGen C0037772, HP:0001258.
Hereditary spastic paraplegia 52 (SPG52). Also called: SPASTIC PARAPLEGIA 52, AUTOSOMAL RECESSIVE; CEREBRAL PALSY, SPASTIC QUADRIPLEGIC, 6. Identifiers: Orphanet 280763, MedGen C3279743, MONDO:0013552, OMIM 614067.

Allele frequency attached by ClinVar (database versions not stated): gnomAD exomes 0.00005; ExAC 0.00007; gnomAD 0.00009 and 0.00013; TOPMed 0.00020; 1000 Genomes Project 0.00060; 1000 Genomes Project 30x 0.00062.
gnomAD v4.1: 98 of 1,613,836 alleles (0.0061%); highest among the groups gnomAD compares: Middle Eastern, 0.099%; no homozygotes.

Submissions (3):

Labcorp Genetics (formerly Invitae), Labcorp
Classification: Uncertain significance for Spastic paraplegia. Last evaluated: 2022-10-17. Review status: criteria provided, single submitter. Criteria: Invitae Variant Classification Sherloc (09022015). Collection method: clinical testing. Allele origin: germline.
Comment: This sequence change replaces arginine, which is basic and polar, with histidine, which is basic and polar, at codon 28 of the AP4S1 protein (p.Arg28His). This variant is present in population databases (rs201972703, gnomAD 0.01%). This variant has not been reported in the literature in individuals affected with AP4S1-related conditions. ClinVar contains an entry for this variant (Variation ID: 527988). Algorithms developed to predict the effect of missense changes on protein structure and function are either unavailable or do not agree on the potential impact of this missense change (SIFT: "Deleterious"; PolyPhen-2: "Benign"; Align-GVGD: "Class C25"). In summary, the available evidence is currently insufficient to determine the role of this variant in disease. Therefore, it has been classified as a Variant of Uncertain Significance.

Baylor Genetics
Classification: Uncertain significance for Hereditary spastic paraplegia 52. Last evaluated: 2018-02-26. Review status: criteria provided, single submitter. Criteria: ACMG Guidelines, 2015. Collection method: clinical testing. Allele origin: unknown. Affected: yes.
Comment: This variant was determined to be of uncertain significance according to ACMG Guidelines, 2015 [PMID:25741868].

Breakthrough Genomics
Classification: Uncertain significance. Review status: criteria provided, single submitter. Criteria: ACMG Guidelines, 2015. Collection method: not provided. Allele origin: germline. Inheritance: Autosomal recessive inheritance. Affected: yes.

NM_001128126.3(AP4S1):c.83G>A (p.Arg28His)

Gene: AP4S1 (adaptor related protein complex 4 subunit sigma 1; plus strand). Cytogenetic location: 14q12.
Variant type: single nucleotide variant.
Coding change: c.83G>A on transcript NM_001128126.3 (MANE Select); coding-DNA position 83, G replaced by A.
Protein change: p.Arg28His; replaces arginine 28 with histidine.
Molecular consequence: missense variant.
Genome position (GRCh38, 1-based): chr14:31,066,279, G>A. VCF-style: chr14-31066279-G-A. GRCh37 (hg19) VCF-style: chr14-31535485-G-A.
Other names: c.83G>A, p.Arg28His (NM_001254726.2, NM_001254727.2, NM_001254728.2 and 2 more transcripts); short protein forms R28H.
Identifiers: ClinVar variation 527988 (VCV000527988.7), dbSNP rs201972703, ClinGen allele CA7144136.